The following is an entry in ClinVar:

NM_004656.4(BAP1):c.571A>G (p.Ile191Val)

Gene: BAP1 (BRCA1 associated deubiquitinase 1; minus strand). Cytogenetic location: 3p21.1.
Variant type: single nucleotide variant.
Coding change: c.571A>G on transcript NM_004656.4 (MANE Select); coding-DNA position 571, A replaced by G.
Protein change: p.Ile191Val; replaces isoleucine 191 with valine.
Molecular consequence: missense variant.
Genome position (GRCh38, 1-based): chr3:52,407,183, T>C on the plus strand (A>G on the coding strand, the complement: BAP1 is on the minus strand). VCF-style: chr3-52407183-T-C. GRCh37 (hg19) VCF-style: chr3-52441199-T-C.
Other names: c.571A>G (NM_004656.2); short protein forms I191V.
Identifiers: ClinVar variation 1524365 (VCV001524365.9), dbSNP rs758802692, ClinGen allele CA353109480.

ClinVar aggregate classification (germline): Uncertain significance. Review status: criteria provided, multiple submitters, no conflicts (2 of 4 stars). 2 submissions from 2 submitters: Uncertain significance (2). Last evaluated 2025-12-13.

Conditions:
Hereditary cancer-predisposing syndrome. Also called: Neoplastic Syndromes, Hereditary; Hereditary Cancer Syndrome; Tumor predisposition; Hereditary neoplastic syndrome. Identifiers: Orphanet 140162, MedGen C0027672, MeSH D009386, MONDO:0015356.
BAP1-related tumor predisposition syndrome (TPDS1). Also called: TUMOR PREDISPOSITION SYNDROME 1; BAP1 tumor predisposition syndrome; Tumor susceptibility linked to germline BAP1 mutations; COMMON Syndrome. Identifiers: Orphanet 289539, MedGen C3280492, MONDO:0013692, OMIM 614327.

Allele frequency attached by ClinVar (database versions not stated): gnomAD 0.00001.
gnomAD v4.1: 3 of 1,613,864 alleles (0.00019%); highest among the groups gnomAD compares: Admixed American, 0.0017%; no homozygotes.

Submissions (2):

Labcorp Genetics (formerly Invitae), Labcorp
Classification: Uncertain significance for BAP1-related tumor predisposition syndrome. Last evaluated: 2025-12-13. Review status: criteria provided, single submitter. Criteria: Invitae Variant Classification Sherloc (09022015). Collection method: clinical testing. Allele origin: germline.
Comment: This sequence change replaces isoleucine, which is neutral and non-polar, with valine, which is neutral and non-polar, at codon 191 of the BAP1 protein (p.Ile191Val). This variant is present in population databases (no rsID available, gnomAD 0.003%). This variant has not been reported in the literature in individuals affected with BAP1-related conditions. ClinVar contains an entry for this variant (Variation ID: 1524365). Invitae Evidence Modeling of protein sequence and biophysical properties (such as structural, functional, and spatial information, amino acid conservation, physicochemical variation, residue mobility, and thermodynamic stability) indicates that this missense variant is expected to disrupt BAP1 protein function with a positive predictive value of 80%. In summary, the available evidence is currently insufficient to determine the role of this variant in disease. Therefore, it has been classified as a Variant of Uncertain Significance.

Ambry Genetics
Classification: Uncertain significance for Hereditary cancer-predisposing syndrome. Last evaluated: 2024-06-14. Review status: criteria provided, single submitter. Criteria: Ambry Variant Classification Scheme 2023. Collection method: clinical testing. Allele origin: germline.
Comment: The p.I191V variant (also known as c.571A>G), located in coding exon 7 of the BAP1 gene, results from an A to G substitution at nucleotide position 571. The isoleucine at codon 191 is replaced by valine, an amino acid with highly similar properties. This amino acid position is conserved. In addition, this alteration is predicted to be tolerated by in silico analysis. Based on the available evidence, the clinical significance of this variant remains unclear.